The following is an entry in ClinVar:

ClinVar aggregate classification (germline): Likely benign (1 of 4 stars; one submission).

Submission:

CeGaT Center for Human Genetics Tuebingen
Classification: Likely benign. Last evaluated: 2023-06-01. Review status: criteria provided, single submitter. Criteria: CeGaT Center For Human Genetics Tuebingen Variant Classification Criteria Version 2. Collection method: clinical testing. Allele origin: germline. Affected: yes. Observed: 1 variant allele.
Comment: ZFYVE16: PM2:Supporting, BP4, BP7

NM_001284236.3(ZFYVE16):c.858C>T (p.Val286=)

Gene: ZFYVE16 (zinc finger FYVE-type containing 16; plus strand). Cytogenetic location: 5q14.1.
Variant type: single nucleotide variant.
Coding change: c.858C>T on transcript NM_001284236.3 (MANE Select); coding-DNA position 858, C replaced by T.
Protein change: p.Val286=; no amino-acid change (valine 286 retained).
Molecular consequence: synonymous variant. On other transcripts: non-coding transcript variant (3).
Genome position (GRCh38, 1-based): chr5:80,437,543, C>T. VCF-style: chr5-80437543-C-T. GRCh37 (hg19) VCF-style: chr5-79733362-C-T.
Other names: c.858C>T, p.Val286= (NM_001105251.4, NM_001284237.2, NM_001349434.2 and 1 more transcripts).
Identifiers: ClinVar variation 2655570 (VCV002655570.24), dbSNP rs2546466559, ClinGen allele CA445392049.